The following is an entry in ClinVar:

ClinVar aggregate classification (germline): Uncertain significance (1 of 4 stars; one submission).

Allele frequency attached by ClinVar (database versions not stated): TOPMed 0.00003.
gnomAD v4.1: 3 of 1,297,054 alleles (0.00023%); highest among the groups gnomAD compares: African/African-American, 0.0031%; no homozygotes.

Submission:

Labcorp Genetics (formerly Invitae), Labcorp
Classification: Uncertain significance. Last evaluated: 2022-03-24. Review status: criteria provided, single submitter. Criteria: Invitae Variant Classification Sherloc (09022015). Collection method: clinical testing. Allele origin: germline.
Comment: This sequence change replaces histidine, which is basic and polar, with leucine, which is neutral and non-polar, at codon 859 of the ERCC6L2 protein (p.His859Leu). This variant is present in population databases (no rsID available, gnomAD 0.02%). This variant has not been reported in the literature in individuals affected with ERCC6L2-related conditions. Algorithms developed to predict the effect of missense changes on protein structure and function are either unavailable or do not agree on the potential impact of this missense change (SIFT: "Tolerated"; PolyPhen-2: "Not Available"; Align-GVGD: "Class C0"). In summary, the available evidence is currently insufficient to determine the role of this variant in disease. Therefore, it has been classified as a Variant of Uncertain Significance.

NM_020207.7(ERCC6L2):c.2543A>T (p.His848Leu)

Gene: ERCC6L2 (ERCC excision repair 6 like 2; plus strand). Cytogenetic location: 9q22.32.
Variant type: single nucleotide variant.
Coding change: c.2543A>T on transcript NM_020207.7 (MANE Select); coding-DNA position 2543, A replaced by T.
Protein change: p.His848Leu; replaces histidine 848 with leucine.
Molecular consequence: missense variant. On other transcripts: non-coding transcript variant (1).
Genome position (GRCh38, 1-based): chr9:95,972,294, A>T. VCF-style: chr9-95972294-A-T. GRCh37 (hg19) VCF-style: chr9-98734576-A-T.
Other names: c.2543A>T, p.His848Leu (NM_001375291.1, NM_001375292.1, NM_001375293.1 and 1 more transcripts); short protein forms H848L.
Identifiers: ClinVar variation 1987164 (VCV001987164.1), dbSNP rs1468101385, ClinGen allele CA589285355.
Genomic context (GRCh38, chr9:95,972,294, plus strand): 5'-CAACAGAAGCCAAAGATGCTGGTTGTGAGAAAAATCAGGACTCTCTTGGTACTTCAAAAC[A>T]TCAGAAATTAGATAACATCCTAAATCCAAAAGAAAAGCATATTTTTTATAAAAGTGAGAA-3'
Protein context (NP_064592.3, residues 838-858): KNQDSLGTSK[His848Leu]QKLDNILNPK